The following is an entry in ClinVar:

ClinVar aggregate classification (germline): Uncertain significance (1 of 4 stars; one submission).

gnomAD v4.1: 21 of 1,613,996 alleles (0.0013%); highest among the groups gnomAD compares: Middle Eastern, 0.017%; no homozygotes.

Submission:

Labcorp Genetics (formerly Invitae), Labcorp
Classification: Uncertain significance. Last evaluated: 2025-03-04. Review status: criteria provided, single submitter. Criteria: Invitae Variant Classification Sherloc (09022015). Collection method: clinical testing. Allele origin: germline.
Comment: This sequence change replaces proline, which is neutral and non-polar, with serine, which is neutral and polar, at codon 450 of the NLRP1 protein (p.Pro450Ser). This variant is present in population databases (no rsID available, gnomAD 0.01%). This variant has not been reported in the literature in individuals affected with NLRP1-related conditions. An algorithm developed to predict the effect of missense changes on protein structure and function outputs the following: PolyPhen-2: "Probably Damaging". The serine amino acid residue is found in multiple mammalian species, which suggests that this missense change does not adversely affect protein function. In summary, the available evidence is currently insufficient to determine the role of this variant in disease. Therefore, it has been classified as a Variant of Uncertain Significance.

NM_033004.4(NLRP1):c.1348C>T (p.Pro450Ser)

Gene: NLRP1 (NLR family pyrin domain containing 1; minus strand). Cytogenetic location: 17p13.2.
Variant type: single nucleotide variant.
Coding change: c.1348C>T on transcript NM_033004.4 (MANE Select); coding-DNA position 1348, C replaced by T.
Protein change: p.Pro450Ser; replaces proline 450 with serine.
Molecular consequence: missense variant.
Genome position (GRCh38, 1-based): chr17:5,559,348, G>A on the plus strand (C>T on the coding strand, the complement: NLRP1 is on the minus strand). VCF-style: chr17-5559348-G-A. GRCh37 (hg19) VCF-style: chr17-5462668-G-A.
Other names: c.1348C>T, p.Pro450Ser (NM_001033053.3, NM_014922.5, NM_033006.4 and 1 more transcripts); short protein forms P450S.
Identifiers: ClinVar variation 4701836 (VCV004701836.1).